The following is an entry in ClinVar:

ClinVar aggregate classification (germline): Uncertain significance (1 of 4 stars; one submission).

Conditions:
Neuropathy, hereditary sensory and autonomic, type 2A (HSAN2A). Also called: MORVAN DISEASE; NEUROPATHY, CONGENITAL SENSORY; NEUROPATHY, HEREDITARY SENSORY RADICULAR, AUTOSOMAL RECESSIVE; NEUROPATHY, HEREDITARY SENSORY, TYPE IIA; NEUROPATHY, PROGRESSIVE SENSORY, OF CHILDREN; ACROOSTEOLYSIS, GIACCAI TYPE. Identifiers: Orphanet 970, MedGen C2752089, MONDO:0024309, OMIM 201300.
Generalized epilepsy with febrile seizures plus, type 7 (GEFSP7). Also called: GEFS+, TYPE 7. Identifiers: Orphanet 36387, MedGen C2751778, MONDO:0013470, OMIM 613863.

Allele frequency attached by ClinVar (database versions not stated): gnomAD exomes below 0.00001.
gnomAD v4.1: 6 of 1,611,686 alleles (0.00037%); highest among the groups gnomAD compares: Non-Finnish European, 0.00051%; no homozygotes.

Submission:

Labcorp Genetics (formerly Invitae), Labcorp
Classification: Uncertain significance for Neuropathy, hereditary sensory and autonomic, type 2A; Generalized epilepsy with febrile seizures plus, type 7. Last evaluated: 2023-03-30. Review status: criteria provided, single submitter. Criteria: Invitae Variant Classification Sherloc (09022015). Collection method: clinical testing. Allele origin: germline.
Comment: In summary, the available evidence is currently insufficient to determine the role of this variant in disease. Therefore, it has been classified as a Variant of Uncertain Significance. Advanced modeling of protein sequence and biophysical properties (such as structural, functional, and spatial information, amino acid conservation, physicochemical variation, residue mobility, and thermodynamic stability) performed at Invitae indicates that this missense variant is not expected to disrupt SCN9A protein function. This variant has not been reported in the literature in individuals affected with SCN9A-related conditions. This variant is not present in population databases (gnomAD no frequency). This sequence change replaces glutamine, which is neutral and polar, with proline, which is neutral and non-polar, at codon 1015 of the SCN9A protein (p.Gln1015Pro).

NM_001365536.1(SCN9A):c.3077A>C (p.Gln1026Pro)

Genes: SCN9A (sodium voltage-gated channel alpha subunit 9; minus strand), SCN1A-AS1 (SCN1A and SCN9A antisense RNA 1; plus strand). Cytogenetic location: 2q24.3.
Variant type: single nucleotide variant.
Coding change: c.3077A>C on transcript NM_001365536.1 (MANE Select); coding-DNA position 3077, A replaced by C.
Protein change: p.Gln1026Pro; replaces glutamine 1026 with proline.
Molecular consequence: missense variant.
Genome position (GRCh38, 1-based): chr2:166,272,673, T>G on the plus strand (A>C on the coding strand, the complement: SCN9A is on the minus strand). VCF-style: chr2-166272673-T-G. GRCh37 (hg19) VCF-style: chr2-167129183-T-G.
Other names: c.3044A>C, p.Gln1015Pro (NM_002977.4); short protein forms Q1015P, Q1026P.
Identifiers: ClinVar variation 2934968 (VCV002934968.3), dbSNP rs2467984603, ClinGen allele CA349074021.